The following is an entry in ClinVar:

NM_001378778.1(MPDZ):c.6139G>A (p.Gly2047Arg)

Gene: MPDZ (multiple PDZ domain crumbs cell polarity complex component; minus strand). Cytogenetic location: 9p23.
Variant type: single nucleotide variant.
Coding change: c.6139G>A on transcript NM_001378778.1 (MANE Select); coding-DNA position 6139, G replaced by A.
Protein change: p.Gly2047Arg; replaces glycine 2047 with arginine.
Molecular consequence: missense variant.
Genome position (GRCh38, 1-based): chr9:13,107,039, C>T on the plus strand (G>A on the coding strand, the complement: MPDZ is on the minus strand). VCF-style: chr9-13107039-C-T. GRCh37 (hg19) VCF-style: chr9-13107038-C-T.
Other names: c.6040G>A, p.Gly2014Arg (NM_001261406.2, NM_001375416.1, NM_001375417.1 and 1 more transcripts); c.5953G>A, p.Gly1985Arg (NM_001261407.2, NM_001375419.1); c.6139G>A, p.Gly2047Arg (NM_001330637.2); c.6238G>A, p.Gly2080Arg (NM_001375413.1); c.5929G>A, p.Gly1977Arg (NM_001375420.1, NM_001375421.1, NM_001375422.1 and 2 more transcripts); c.5842G>A, p.Gly1948Arg (NM_001375425.1, NM_001375426.1); c.5731G>A, p.Gly1911Arg (NM_001375427.1); c.6052G>A, p.Gly2018Arg (NM_003829.5); short protein forms G1911R, G1985R, G2014R, G2018R, G1977R, G2047R, G1948R, G2080R.
Identifiers: ClinVar variation 1389837 (VCV001389837.3), dbSNP rs754386365, ClinGen allele CA4985941.

ClinVar aggregate classification (germline): Uncertain significance (1 of 4 stars; one submission).

Allele frequency attached by ClinVar (database versions not stated): gnomAD exomes 0.00001 and 0.00003; ExAC 0.00002; gnomAD 0.00002; TOPMed 0.00002.
gnomAD v4.1: 10 of 1,611,766 alleles (0.00062%); highest among the groups gnomAD compares: Admixed American, 0.015%; no homozygotes.

Submission:

Labcorp Genetics (formerly Invitae), Labcorp
Classification: Uncertain significance. Last evaluated: 2022-08-09. Review status: criteria provided, single submitter. Criteria: Invitae Variant Classification Sherloc (09022015). Collection method: clinical testing. Allele origin: germline.
Comment: This sequence change replaces glycine, which is neutral and non-polar, with arginine, which is basic and polar, at codon 2018 of the MPDZ protein (p.Gly2018Arg). This variant is present in population databases (rs754386365, gnomAD 0.02%). This variant has not been reported in the literature in individuals affected with MPDZ-related conditions. ClinVar contains an entry for this variant (Variation ID: 1389837). Algorithms developed to predict the effect of missense changes on protein structure and function are either unavailable or do not agree on the potential impact of this missense change (SIFT: "Deleterious"; PolyPhen-2: "Probably Damaging"; Align-GVGD: "Class C15"). In summary, the available evidence is currently insufficient to determine the role of this variant in disease. Therefore, it has been classified as a Variant of Uncertain Significance.